The following is an entry in ClinVar:

NM_001042492.3(NF1):c.488A>G (p.Glu163Gly)

Gene: NF1 (neurofibromin 1; plus strand). Cytogenetic location: 17q11.2.
Variant type: single nucleotide variant.
Coding change: c.488A>G on transcript NM_001042492.3 (MANE Select); coding-DNA position 488, A replaced by G.
Protein change: p.Glu163Gly; replaces glutamic acid 163 with glycine.
Molecular consequence: missense variant.
Genome position (GRCh38, 1-based): chr17:31,169,899, A>G. VCF-style: chr17-31169899-A-G. GRCh37 (hg19) VCF-style: chr17-29496917-A-G.
Other names: c.488A>G, p.Glu163Gly (NM_000267.4, NM_001128147.3); short protein forms E163G.
Identifiers: ClinVar variation 2090995 (VCV002090995.4), dbSNP rs2544718698, ClinGen allele CA398984714.
Genomic context (GRCh38, chr17:31,169,899, plus strand): 5'-CCTGTCCCCTAATACTTAATTTGATAAGTTAATTTTGGTTTTTACTTTTTAGGTTACAGG[A>G]ATTAACTGTTTGTTCAGAAGACAATGTTGATGTTCATGATATAGAATTGTTACAGTATAT-3'
Protein context (NP_001035957.1, residues 153-173): VFSRISTRLQ[Glu163Gly]LTVCSEDNVD

ClinVar aggregate classification (germline): Uncertain significance (1 of 4 stars; one submission).

Conditions:
Neurofibromatosis, type 1 (NF1). Also called: NEUROFIBROMATOSIS, TYPE I, SOMATIC; Neurofibromatosis, type I; Peripheral type neurofibromatosis; VON RECKLINGHAUSEN DISEASE. Identifiers: Orphanet 636, MedGen C0027831, MONDO:0018975, OMIM 162200. Disease mechanism: loss of function.

Submission:

Labcorp Genetics (formerly Invitae), Labcorp
Classification: Uncertain significance for Neurofibromatosis, type 1. Last evaluated: 2022-01-28. Review status: criteria provided, single submitter. Criteria: Invitae Variant Classification Sherloc (09022015). Collection method: clinical testing. Allele origin: germline.
Comment: This variant is not present in population databases (gnomAD no frequency). This sequence change replaces glutamic acid, which is acidic and polar, with glycine, which is neutral and non-polar, at codon 163 of the NF1 protein (p.Glu163Gly). This variant has not been reported in the literature in individuals affected with NF1-related conditions. In summary, the available evidence is currently insufficient to determine the role of this variant in disease. Therefore, it has been classified as a Variant of Uncertain Significance. Algorithms developed to predict the effect of missense changes on protein structure and function (SIFT, PolyPhen-2, Align-GVGD) all suggest that this variant is likely to be tolerated.